The following is an entry in ClinVar:

NM_145166.4(ZBTB47):c.1047G>A (p.Glu349=)

Gene: ZBTB47 (zinc finger and BTB domain containing 47; plus strand). Cytogenetic location: 3p22.1.
Variant type: single nucleotide variant.
Coding change: c.1047G>A on transcript NM_145166.4 (MANE Select); coding-DNA position 1047, G replaced by A.
Protein change: p.Glu349=; no amino-acid change (glutamic acid 349 retained).
Molecular consequence: synonymous variant.
Genome position (GRCh38, 1-based): chr3:42,659,402, G>A. VCF-style: chr3-42659402-G-A. GRCh37 (hg19) VCF-style: chr3-42700894-G-A.
Other names: c.1131G>A, p.Glu377= (NM_001410746.1).
Identifiers: ClinVar variation 5039495 (VCV005039495.1).
Genomic context (GRCh38, chr3:42,659,402, plus strand): 5'-GGAGGAGGAAGAGGAGGAAGGGCCTAGTGAGCAGGATCAAGAGAGCTCTGAGGAGGAGGA[G>A]GGGGAGGAGGGGGAGGCTGGGGGCAAGCAGGGGCCACGGGGAAGCCGAAGCAGCCGGGCA-3'
Protein context (NP_660149.2, residues 339-359): EQDQESSEEE[Glu349=]GEEGEAGGKQ

ClinVar aggregate classification (germline): Likely benign (1 of 4 stars; one submission).

gnomAD v4.1: 4 of 1,439,984 alleles (0.00028%); highest among the groups gnomAD compares: Admixed American, 0.0028%; no homozygotes.

Submission:

CeGaT Center for Human Genetics Tuebingen
Classification: Likely benign. Last evaluated: 2026-07-01. Review status: criteria provided, single submitter. Criteria: CeGaT Center For Human Genetics Tuebingen Variant Classification Criteria Version 2. Collection method: clinical testing. Allele origin: germline. Affected: yes. Observed: 1 variant allele.
Comment: ZBTB47: BP4, BP7